The following is an entry in ClinVar:

NC_000022.11:g.40345873G>A

Gene: ADSL (adenylosuccinate lyase; plus strand). Cytogenetic location: 22q13.1.
Variant type: single nucleotide variant.
Genome position: GRCh38 VCF-style: chr22-40345873-G-A. GRCh37 (hg19) VCF-style: chr22-40741877-G-A.
Identifiers: ClinVar variation 1930625 (VCV001930625.3), dbSNP rs146387429, ClinGen allele CA324446423.
Genomic context (GRCh38, chr22:40,345,873, plus strand): 5'-TAGAGACAGGGTTTCACGTGTTGCCCAGGCTGGTCTCAAACTCCTAAGCTCAGGAAATCT[G>A]CCTGCCTCGACCTCCCGAAGTGCTGGGATTACAGGCGTAGGCCACCGCAGCCGGCTCACT-3'

ClinVar aggregate classification (germline): Uncertain significance (1 of 4 stars; one submission).

Conditions:
Adenylosuccinate lyase deficiency (ADSLD). Also called: ADSL DEFICIENCY. Identifiers: Orphanet 46, MedGen C0268126, MONDO:0007068, OMIM 103050.

Allele frequency attached by ClinVar (database versions not stated): gnomAD 0.00004; TOPMed 0.00005; 1000 Genomes Project 30x 0.00016; 1000 Genomes Project 0.00020.

Submission:

Labcorp Genetics (formerly Invitae), Labcorp
Classification: Uncertain significance for Adenylosuccinate lyase deficiency. Last evaluated: 2022-08-16. Review status: criteria provided, single submitter. Criteria: Invitae Variant Classification Sherloc (09022015). Collection method: clinical testing. Allele origin: germline.
Comment: This variant occurs in a non-coding region of the ADSL gene. It does not change the encoded amino acid sequence of the ADSL protein. This variant is present in population databases (rs146387429, gnomAD 0.06%). This variant has not been reported in the literature in individuals affected with ADSL-related conditions. Experimental studies and prediction algorithms are not available or were not evaluated, and the functional significance of this variant is currently unknown. In summary, the available evidence is currently insufficient to determine the role of this variant in disease. Therefore, it has been classified as a Variant of Uncertain Significance.